The following is an entry in ClinVar:

NM_001100913.3(PACS2):c.1187_1190delinsGGGG (p.Ser396_Thr397delinsTrpGly)

Gene: PACS2 (phosphofurin acidic cluster sorting protein 2; plus strand). Cytogenetic location: 14q32.33.
Variant type: Indel.
Coding change: c.1187_1190delinsGGGG on transcript NM_001100913.3 (MANE Select); coding-DNA positions 1187 to 1190, CCAC replaced by GGGG.
Protein change: p.Ser396_Thr397delinsTrpGly.
Molecular consequence: missense variant.
Genome position (GRCh38, 1-based): chr14:105,381,018-105,381,021, CCAC replaced by GGGG. VCF-style: chr14-105381018-CCAC-GGGG. GRCh37 (hg19) VCF-style: chr14-105847355-CCAC-GGGG.
Other names: c.962_965delinsGGGG, p.Ser321_Thr322delinsTrpGly (NM_001243127.3); c.1187_1190delinsGGGG, p.Ser396_Thr397delinsTrpGly (NM_015197.4).
Identifiers: ClinVar variation 3690894 (VCV003690894.2).

ClinVar aggregate classification (germline): Uncertain significance (1 of 4 stars; one submission).

Submission:

Labcorp Genetics (formerly Invitae), Labcorp
Classification: Uncertain significance. Last evaluated: 2024-10-21. Review status: criteria provided, single submitter. Criteria: Invitae Variant Classification Sherloc (09022015). Collection method: clinical testing. Allele origin: germline.
Comment: This variant, c.1187_1190delinsGGGG, is a complex sequence change that results in the deletion of 2 and insertion of 2 amino acid(s) in the PACS2 protein (p.Ser396_Thr397delinsTrpGly). Information on the frequency of this variant in the gnomAD database is not available, as this variant may be reported differently in the database. This variant has not been reported in the literature in individuals affected with PACS2-related conditions. Experimental studies and prediction algorithms are not available or were not evaluated, and the functional significance of this variant is currently unknown. In summary, the available evidence is currently insufficient to determine the role of this variant in disease. Therefore, it has been classified as a Variant of Uncertain Significance.